The following is an entry in ClinVar:

ClinVar aggregate classification (germline): Uncertain significance (1 of 4 stars; one submission).

Allele frequency attached by ClinVar (database versions not stated): gnomAD exomes below 0.00001; TOPMed below 0.00001.

Submission:

Labcorp Genetics (formerly Invitae), Labcorp
Classification: Uncertain significance. Last evaluated: 2022-10-24. Review status: criteria provided, single submitter. Criteria: Invitae Variant Classification Sherloc (09022015). Collection method: clinical testing. Allele origin: germline.
Comment: This sequence change replaces lysine, which is basic and polar, with glutamine, which is neutral and polar, at codon 1003 of the MYO15A protein (p.Lys1003Gln). This variant is not present in population databases (gnomAD no frequency). This variant has not been reported in the literature in individuals affected with MYO15A-related conditions. ClinVar contains an entry for this variant (Variation ID: 1519527). Advanced modeling of protein sequence and biophysical properties (such as structural, functional, and spatial information, amino acid conservation, physicochemical variation, residue mobility, and thermodynamic stability) performed at Invitae indicates that this missense variant is not expected to disrupt MYO15A protein function. In summary, the available evidence is currently insufficient to determine the role of this variant in disease. Therefore, it has been classified as a Variant of Uncertain Significance.

NM_016239.4(MYO15A):c.3007A>C (p.Lys1003Gln)

Gene: MYO15A (myosin XVA; plus strand). Cytogenetic location: 17p11.2.
Variant type: single nucleotide variant.
Coding change: c.3007A>C on transcript NM_016239.4 (MANE Select); coding-DNA position 3007, A replaced by C.
Protein change: p.Lys1003Gln; replaces lysine 1003 with glutamine.
Molecular consequence: missense variant.
Genome position (GRCh38, 1-based): chr17:18,121,807, A>C. VCF-style: chr17-18121807-A-C. GRCh37 (hg19) VCF-style: chr17-18025121-A-C.
Other names: short protein forms K1003Q.
Identifiers: ClinVar variation 1519527 (VCV001519527.5), dbSNP rs112358285, ClinGen allele CA288389485.
Genomic context (GRCh38, chr17:18,121,807, plus strand): 5'-GCTGATATGACCAGGGTCTTCCTGGGCAGACACCATGAGCCGGGGCCTGGACAGCTCACC[A>C]AATCAGCTGGCCCAACCCCTGAGAAGCCTGAAGAAGAGGCCACCCTGGGGGACCCCCAGC-3'
Protein context (NP_057323.3, residues 993-1013): HHEPGPGQLT[Lys1003Gln]SAGPTPEKPE